The following is an entry in ClinVar:

ClinVar aggregate classification (germline): Uncertain significance (1 of 4 stars; one submission).

Allele frequency attached by ClinVar (database versions not stated): gnomAD exomes below 0.00001; ESP Exome Variant Server 0.00008; TOPMed below 0.00001.
gnomAD v4.1: 5 of 1,614,090 alleles (0.00031%); highest among the groups gnomAD compares: Non-Finnish European, 0.00025%; no homozygotes.

Submission:

Labcorp Genetics (formerly Invitae), Labcorp
Classification: Uncertain significance. Last evaluated: 2025-09-15. Review status: criteria provided, single submitter. Criteria: Invitae Variant Classification Sherloc (09022015). Collection method: clinical testing. Allele origin: germline.
Comment: This sequence change replaces alanine, which is neutral and non-polar, with threonine, which is neutral and polar, at codon 1045 of the FLNB protein (p.Ala1045Thr). This variant is not present in population databases (gnomAD no frequency). This variant has not been reported in the literature in individuals affected with FLNB-related conditions. ClinVar contains an entry for this variant (Variation ID: 2883481). Invitae Evidence Modeling of protein sequence and biophysical properties (such as structural, functional, and spatial information, amino acid conservation, physicochemical variation, residue mobility, and thermodynamic stability) indicates that this missense variant is not expected to disrupt FLNB protein function with a negative predictive value of 95%. In summary, the available evidence is currently insufficient to determine the role of this variant in disease. Therefore, it has been classified as a Variant of Uncertain Significance.

NM_001457.4(FLNB):c.3133G>A (p.Ala1045Thr)

Gene: FLNB (filamin B; plus strand). Cytogenetic location: 3p14.3.
Variant type: single nucleotide variant.
Coding change: c.3133G>A on transcript NM_001457.4 (MANE Select); coding-DNA position 3133, G replaced by A.
Protein change: p.Ala1045Thr; replaces alanine 1045 with threonine.
Molecular consequence: missense variant.
Genome position (GRCh38, 1-based): chr3:58,123,099, G>A. VCF-style: chr3-58123099-G-A. GRCh37 (hg19) VCF-style: chr3-58108826-G-A.
Other names: c.3133G>A, p.Ala1045Thr (NM_001164317.2, NM_001164318.2, NM_001164319.2); short protein forms A1045T.
Identifiers: ClinVar variation 2883481 (VCV002883481.3), dbSNP rs368084957, ClinGen allele CA75447022.